The following is an entry in ClinVar:

NM_004667.6(HERC2):c.9831+7C>T

Gene: HERC2 (HECT and RLD domain containing E3 ubiquitin protein ligase 2; minus strand). Cytogenetic location: 15q13.1.
Variant type: single nucleotide variant.
Coding change: c.9831+7C>T on transcript NM_004667.6 (MANE Select); 7 bases into the intron after coding-DNA position 9831, C replaced by T.
Molecular consequence: intron variant.
Genome position (GRCh38, 1-based): chr15:28,175,505, G>A on the plus strand (C>T on the coding strand, the complement: HERC2 is on the minus strand). VCF-style: chr15-28175505-G-A. GRCh37 (hg19) VCF-style: chr15-28420651-G-A.
Identifiers: ClinVar variation 1335171 (VCV001335171.35), dbSNP rs1488970600, ClinGen allele CA616711275.

ClinVar aggregate classification (germline): Uncertain significance (1 of 4 stars; one submission).

Allele frequency attached by ClinVar (database versions not stated): gnomAD exomes 0.00002 and 0.00007; TOPMed 0.00005; gnomAD 0.00006.
gnomAD v4.1: 110 of 1,608,126 alleles (0.0068%); highest among the groups gnomAD compares: Non-Finnish European, 0.0088%; no homozygotes.

Submission:

CeGaT Center for Human Genetics Tuebingen
Classification: Uncertain significance. Last evaluated: 2024-05-01. Review status: criteria provided, single submitter. Criteria: CeGaT Center For Human Genetics Tuebingen Variant Classification Criteria Version 2. Collection method: clinical testing. Allele origin: germline. Affected: yes. Observed: 2 variant alleles.
Comment: HERC2: PM2:Supporting, BP4